The following is an entry in ClinVar:

ClinVar aggregate classification (germline): Uncertain significance. Review status: criteria provided, multiple submitters, no conflicts (2 of 4 stars). 2 submissions from 2 submitters: Uncertain significance (2). Last evaluated 2022-04-08.

Conditions:
Cardiovascular phenotype. Identifiers: MedGen CN230736.
Brugada syndrome 7 (BRGDA7). Identifiers: Orphanet 130, MedGen C2751088, MONDO:0013146, OMIM 613120.

Allele frequency attached by ClinVar (database versions not stated): gnomAD exomes below 0.00001; TOPMed below 0.00001; gnomAD 0.00001.

Submissions (2):

Labcorp Genetics (formerly Invitae), Labcorp
Classification: Uncertain significance for Brugada syndrome 7. Last evaluated: 2022-04-08. Review status: criteria provided, single submitter. Criteria: Invitae Variant Classification Sherloc (09022015). Collection method: clinical testing. Allele origin: germline.
Comment: This sequence change creates a premature translational stop signal (p.Ser86Alafs*27) in the SCN3B gene. It is expected to result in an absent or disrupted protein product. However, the current clinical and genetic evidence is not sufficient to establish whether loss-of-function variants in SCN3B cause disease. This variant is not present in population databases (gnomAD no frequency). This variant has not been reported in the literature in individuals affected with SCN3B-related conditions. In summary, the available evidence is currently insufficient to determine the role of this variant in disease. Therefore, it has been classified as a Variant of Uncertain Significance.

Ambry Genetics
Classification: Uncertain significance for Cardiovascular phenotype. Last evaluated: 2021-04-19. Review status: criteria provided, single submitter. Criteria: Ambry Variant Classification Scheme 2023. Collection method: clinical testing. Allele origin: germline.
Comment: The c.256delA variant, located in coding exon 3 of the SCN3B gene, results from a deletion of one nucleotide at nucleotide position 256, causing a translational frameshift with a predicted alternate stop codon (p.S86Afs*27). This alteration is expected to result in premature protein truncation or nonsense-mediated mRNA decay. However, loss of function of SCN3B has not been clearly established as a mechanism of disease. Since supporting evidence is limited at this time, the clinical significance of this alteration remains unclear.

NM_001040151.2(SCN3B):c.256del (p.Ser86fs)

Gene: SCN3B (sodium voltage-gated channel beta subunit 3; minus strand). Cytogenetic location: 11q24.1.
Variant type: Deletion.
Coding change: c.256del on transcript NM_001040151.2 (MANE Select); coding-DNA position 256, one base deleted (A; older notation c.256delA).
Protein change: p.Ser86fs; shifts the reading frame from serine 86.
Molecular consequence: frameshift variant.
Genome position (GRCh38, 1-based): chr11:123,642,635, T deleted on the plus strand (A on the coding strand, the reverse complement: SCN3B is on the minus strand). VCF-style (leftmost placement, unchanged base first): chr11-123642634-CT-C. GRCh37 (hg19) VCF-style: chr11-123513342-CT-C.
Other names: c.256del, p.Ser86fs (NM_018400.4); short protein forms S86fs.
Identifiers: ClinVar variation 1504135 (VCV001504135.8), dbSNP rs1955806072, ClinGen allele CA943102533.
Genomic context (GRCh38, chr11:123,642,634, plus strand): 5'-GTGATGGACACGTCCTGCAGGTCCTTGCTGCCATTCCACTGCAGGCGCCCCTGAAAGGGG[CT>C]CTCCACCTCCTGGTGGCCATTCCGATACTCGTAAATCTGCAGATAGAGGAGCAGAAGAGG-3'